The following is an entry in ClinVar:

NM_017825.3(ADPRS):c.414_418del (p.Ala139fs)

Gene: ADPRS (ADP-ribosylserine hydrolase; plus strand). Cytogenetic location: 1p34.3.
Variant type: Deletion.
Coding change: c.414_418del on transcript NM_017825.3 (MANE Select); coding-DNA positions 414 to 418, 5 bases deleted (TGCCC; older notation c.414_418delTGCCC).
Protein change: p.Ala139fs; shifts the reading frame from alanine 139.
Molecular consequence: frameshift variant.
Genome position (GRCh38, 1-based): chr1:36,091,723-36,091,727, TGCCC deleted; deleting any 5 consecutive bases within chr1:36,091,721-36,091,727 gives the same sequence; the c. name uses the placement nearest the transcript's 3' end. VCF-style (leftmost placement, unchanged base first): chr1-36091720-GCCTGC-G. GRCh37 (hg19) VCF-style: chr1-36557321-GCCTGC-G.
Other names: short protein forms A139fs.
Identifiers: ClinVar variation 590301 (VCV000590301.6), dbSNP rs1557733597, ClinGen allele CA891842434.

ClinVar aggregate classification (germline): Pathogenic. Review status: criteria provided, multiple submitters, no conflicts (2 of 4 stars). 5 submissions from 5 submitters: Pathogenic (3). 2 of the submissions do not count toward it. Last evaluated 2025-07-14.

Conditions:
Neurodegeneration, childhood-onset, stress-induced, with variable ataxia and seizures. Identifiers: Orphanet 694922, MedGen C4748527, MONDO:0100095, OMIM 618170.

Submissions (5):

Variantyx, Inc.
Classification: Pathogenic for Neurodegeneration, childhood-onset, stress-induced, with variable ataxia and seizures. Last evaluated: 2025-07-14. Review status: criteria provided, single submitter. Criteria: Variantyx Assertion Criteria 2022. Collection method: clinical testing. Allele origin: germline. Inheritance: Autosomal recessive inheritance.
Comment: This is a frameshift variant in the ADPRS gene (OMIM: 610624). Pathogenic variants in this gene have been associated with autosomal recessive stress-induced childhood-onset neurodegeneration with variable ataxia and seizures. This variant introduces a premature termination codon in exon 3 out of 6. It is expected to result in loss of function, which is a known disease mechanism for ADPRS in this disorder (PMID:30100084) (PVS1). This variant has a 0.0033% maximum allele frequency in non-founder control populations (PM2). Inter- and intrafamilial clinical variability has been described for autosomal recessive stress-induced childhood-onset neurodegeneration with variable ataxia and seizures (PMID: 30100084, 30401461). Based on the current evidence, this variant is classified as pathogenic for autosomal recessive stress-induced childhood-onset neurodegeneration with variable ataxia and seizures.

Kasturba Medical College, Manipal, Kasturba Medical College, Manipal, Manipal Academy of Higher Education, Manipal, India
Classification: Pathogenic for Neurodegeneration, childhood-onset, stress-induced, with variable ataxia and seizures. Review status: criteria provided, single submitter. Criteria: ACMG Guidelines, 2015. Collection method: clinical testing. Allele origin: germline. Inheritance: Autosomal recessive inheritance. Affected: yes. Observed: 1 homozygote.

Neuberg Centre For Genomic Medicine, NCGM
Classification: Pathogenic for Neurodegeneration, childhood-onset, stress-induced, with variable ataxia and seizures. Review status: criteria provided, single submitter. Criteria: ACMG Guidelines, 2015. Collection method: clinical testing. Allele origin: germline. Inheritance: Autosomal recessive inheritance. Affected: yes.
Comment: The frame shift (c.414_418del) variant has been reported previously in patients affected with Neurodegeneration, childhood-onset, stress-induced, with variable ataxia and seizures (Ghosh et. al., 2018). The p.Ala139GlyfsTer4 variant is novel (not in any individuals) in gnomAD Exomes and 1000 Genomes. This variant has been reported to the ClinVar database as Pathogenic. This variant causes a frameshift starting with codon Alanine 139, changes this amino acid to Glycine residue, and creates a premature stop codon at position 4 of the new reading frame, denoted p.Ala139GlyfsTer4. Loss of function variants have been previously reported to be disease causing. For these reasons, this variant has been classified as Pathogenic.

OMIM
Classification: Pathogenic for NEURODEGENERATION, CHILDHOOD-ONSET, STRESS-INDUCED, WITH VARIABLE ATAXIA AND SEIZURES. Last evaluated: 2018-11-08. Review status: no assertion criteria provided. Collection method: literature only. Allele origin: germline. Not counted in ClinVar's aggregate classification.

Joint Genome Diagnostic Labs from Nijmegen and Maastricht, Radboudumc and MUMC+
Classification: Pathogenic. Review status: no assertion criteria provided. Collection method: clinical testing. Allele origin: germline. Affected: yes. Not counted in ClinVar's aggregate classification.

Literature cited by the submitters: PubMed 30100084 (cited by 3 submitters); PubMed 28333917 (cited by Variantyx, Inc.).